The following is an entry in ClinVar:

NM_000245.4(MET):c.3439C>G (p.Leu1147Val)

Gene: MET (MET proto-oncogene, receptor tyrosine kinase; plus strand). Cytogenetic location: 7q31.2.
Variant type: single nucleotide variant.
Coding change: c.3439C>G on transcript NM_000245.4 (MANE Select); coding-DNA position 3439, C replaced by G.
Protein change: p.Leu1147Val; replaces leucine 1147 with valine.
Molecular consequence: missense variant.
Genome position (GRCh38, 1-based): chr7:116,778,874, C>G. VCF-style: chr7-116778874-C-G. GRCh37 (hg19) VCF-style: chr7-116418928-C-G.
Other names: c.3493C>G, p.Leu1165Val (NM_001127500.3); c.2149C>G, p.Leu717Val (NM_001324402.2); short protein forms L1147V, L1165V, L717V.
Identifiers: ClinVar variation 1731964 (VCV001731964.8), dbSNP rs1795070786, ClinGen allele CA368990158.

ClinVar aggregate classification (germline): Uncertain significance. Review status: criteria provided, multiple submitters, no conflicts (2 of 4 stars). 2 submissions from 2 submitters: Uncertain significance (2). Last evaluated 2025-06-12.

Conditions:
Hereditary cancer-predisposing syndrome. Also called: Neoplastic Syndromes, Hereditary; Tumor predisposition; Hereditary Cancer Syndrome; Hereditary neoplastic syndrome. Identifiers: Orphanet 140162, MedGen C0027672, MeSH D009386, MONDO:0015356.
Renal cell carcinoma. Identifiers: Orphanet 217071, MedGen C0007134, MeSH D002292, MONDO:0005086, HP:0005584.

Allele frequency attached by ClinVar (database versions not stated): gnomAD exomes below 0.00001.
gnomAD v4.1: 2 of 1,614,040 alleles (0.00012%); highest among the groups gnomAD compares: East Asian, 0.0045%; no homozygotes.

Submissions (2):

Ambry Genetics
Classification: Uncertain significance for Hereditary cancer-predisposing syndrome. Last evaluated: 2025-06-12. Review status: criteria provided, single submitter. Criteria: Ambry Variant Classification Scheme 2023. Collection method: clinical testing. Allele origin: germline.
Comment: The p.L1165V variant (also known as c.3493C>G), located in coding exon 16 of the MET gene, results from a C to G substitution at nucleotide position 3493. The leucine at codon 1165 is replaced by valine, an amino acid with highly similar properties. This amino acid position is highly conserved in available vertebrate species. In addition, the in silico prediction for this alteration is inconclusive. Based on the available evidence, the clinical significance of this variant remains unclear.

Labcorp Genetics (formerly Invitae), Labcorp
Classification: Uncertain significance for Renal cell carcinoma. Last evaluated: 2024-04-29. Review status: criteria provided, single submitter. Criteria: Invitae Variant Classification Sherloc (09022015). Collection method: clinical testing. Allele origin: germline.
Comment: This sequence change replaces leucine, which is neutral and non-polar, with valine, which is neutral and non-polar, at codon 1165 of the MET protein (p.Leu1165Val). This variant is not present in population databases (gnomAD no frequency). This variant has not been reported in the literature in individuals affected with MET-related conditions. ClinVar contains an entry for this variant (Variation ID: 1731964). Advanced modeling of protein sequence and biophysical properties (such as structural, functional, and spatial information, amino acid conservation, physicochemical variation, residue mobility, and thermodynamic stability) has been performed at Invitae for this missense variant, however the output from this modeling did not meet the statistical confidence thresholds required to predict the impact of this variant on MET protein function. In summary, the available evidence is currently insufficient to determine the role of this variant in disease. Therefore, it has been classified as a Variant of Uncertain Significance.